The following is an entry in ClinVar:

ClinVar aggregate classification (germline): Uncertain significance. Review status: criteria provided, multiple submitters, no conflicts (2 of 4 stars). 2 submissions from 2 submitters: Uncertain significance (2). Last evaluated 2024-03-29.

Conditions:
PPARG-related familial partial lipodystrophy. Also called: LIPODYSTROPHY, FAMILIAL PARTIAL, ASSOCIATED WITH PPARG MUTATIONS. Identifiers: Orphanet 79083, MedGen C1720861, MONDO:0011448, OMIM 604367.

Allele frequency attached by ClinVar (database versions not stated): TOPMed below 0.00001.

Submissions (2):

Genomic Medicine Center of Excellence, King Faisal Specialist Hospital and Research Centre
Classification: Uncertain significance for PPARG-related familial partial lipodystrophy. Last evaluated: 2024-03-29. Review status: criteria provided, single submitter. Criteria: ACMG Guidelines, 2015. Collection method: clinical testing. Allele origin: germline.

GeneDx
Classification: Uncertain significance. Last evaluated: 2023-03-01. Review status: criteria provided, single submitter. Criteria: GeneDx Variant Classification Process June 2021. Collection method: clinical testing. Allele origin: germline. Affected: yes.
Comment: Not observed at significant frequency in large population cohorts (gnomAD); In silico analysis supports that this missense variant does not alter protein structure/function; Has not been previously published as pathogenic or benign to our knowledge

NM_138711.6(PPARG):c.315G>C (p.Met105Ile)

Gene: PPARG (peroxisome proliferator activated receptor gamma; plus strand). Cytogenetic location: 3p25.2.
Variant type: single nucleotide variant.
Coding change: c.315G>C on transcript NM_138711.6 (MANE Select); coding-DNA position 315, G replaced by C.
Protein change: p.Met105Ile; replaces methionine 105 with isoleucine.
Molecular consequence: missense variant. On other transcripts: 5 prime UTR variant (1).
Genome position (GRCh38, 1-based): chr3:12,381,416, G>C. VCF-style: chr3-12381416-G-C. GRCh37 (hg19) VCF-style: chr3-12422915-G-C.
Other names: c.315G>C, p.Met105Ile (NM_001330615.4, NM_001354666.3, NM_001354667.3 and 6 more transcripts); c.405G>C, p.Met135Ile (NM_001354668.2, NM_001374265.1, NM_015869.5); c.-113G>C (NM_001354669.2); c.321G>C, p.Met107Ile (NM_001354670.2, NM_001374266.1); short protein forms M105I, M107I, M135I.
Identifiers: ClinVar variation 2578156 (VCV002578156.2), dbSNP rs1193598966, ClinGen allele CA351618053.